The following is an entry in ClinVar:

NM_020831.6(MRTFA):c.800G>A (p.Gly267Asp)

Gene: MRTFA (myocardin related transcription factor A; minus strand). Cytogenetic location: 22q13.1.
Variant type: single nucleotide variant.
Coding change: c.800G>A on transcript NM_020831.6 (MANE Select); coding-DNA position 800, G replaced by A.
Protein change: p.Gly267Asp; replaces glycine 267 with aspartic acid.
Molecular consequence: missense variant. On other transcripts: intron variant (1).
Genome position (GRCh38, 1-based): chr22:40,423,663, C>T on the plus strand (G>A on the coding strand, the complement: MRTFA is on the minus strand). VCF-style: chr22-40423663-C-T. GRCh37 (hg19) VCF-style: chr22-40819667-C-T.
Other names: c.500G>A, p.Gly167Asp (NM_001282660.2); c.800G>A, p.Gly267Asp (NM_001282662.3); c.605G>A, p.Gly202Asp (NM_001318139.2); c.777+543G>A (NM_001282661.3); short protein forms G167D, G202D, G267D.
Identifiers: ClinVar variation 3676296 (VCV003676296.2).

ClinVar aggregate classification (germline): Uncertain significance (1 of 4 stars; one submission).

Submission:

Labcorp Genetics (formerly Invitae), Labcorp
Classification: Uncertain significance. Last evaluated: 2024-12-10. Review status: criteria provided, single submitter. Criteria: Invitae Variant Classification Sherloc (09022015). Collection method: clinical testing. Allele origin: germline.
Comment: This sequence change replaces glycine, which is neutral and non-polar, with aspartic acid, which is acidic and polar, at codon 167 of the MKL1 protein (p.Gly167Asp). This variant is not present in population databases (gnomAD no frequency). This variant has not been reported in the literature in individuals affected with MKL1-related conditions. An algorithm developed to predict the effect of missense changes on protein structure and function (PolyPhen-2) suggests that this variant is likely to be tolerated. In summary, the available evidence is currently insufficient to determine the role of this variant in disease. Therefore, it has been classified as a Variant of Uncertain Significance.